The following is an entry in ClinVar:

NM_001111.5(ADAR):c.2840A>C (p.Glu947Ala)

Gene: ADAR (adenosine deaminase RNA specific; minus strand). Cytogenetic location: 1q21.3.
Variant type: single nucleotide variant.
Coding change: c.2840A>C on transcript NM_001111.5 (MANE Select); coding-DNA position 2840, A replaced by C.
Protein change: p.Glu947Ala; replaces glutamic acid 947 with alanine.
Molecular consequence: missense variant.
Genome position (GRCh38, 1-based): chr1:154,588,596, T>G on the plus strand (A>C on the coding strand, the complement: ADAR is on the minus strand). VCF-style: chr1-154588596-T-G. GRCh37 (hg19) VCF-style: chr1-154561072-T-G.
Other names: c.1955A>C, p.Glu652Ala (NM_001025107.3, NM_001193495.2, NM_001365046.1 and 2 more transcripts); c.2867A>C, p.Glu956Ala (NM_001365045.1); c.1877A>C, p.Glu626Ala (NM_001365049.1); c.2762A>C, p.Glu921Ala (NM_015840.4); c.2705A>C, p.Glu902Ala (NM_015841.4); short protein forms E652A, E956A, E947A, E626A, E902A, E921A.
Identifiers: ClinVar variation 2001239 (VCV002001239.4), dbSNP rs2526493422, ClinGen allele CA342636330.

ClinVar aggregate classification (germline): Uncertain significance (1 of 4 stars; one submission).

Conditions:
Symmetrical dyschromatosis of extremities (DSH). Also called: RETICULATE ACROPIGMENTATION OF DOHI; SYMMETRIC DYSCHROMATOSIS OF THE EXTREMITIES; DYSCHROMATOSIS SYMMETRICA HEREDITARIA 1; Dyschromatosis symmetrica hereditaria. Identifiers: Orphanet 41, MedGen C0406775, MONDO:0007483, OMIM 127400.
Aicardi-Goutieres syndrome 6 (AGS6). Identifiers: Orphanet 51, MedGen C3539013, MONDO:0014007, OMIM 615010.

Submission:

Labcorp Genetics (formerly Invitae), Labcorp
Classification: Uncertain significance for Aicardi-Goutieres syndrome 6; Symmetrical dyschromatosis of extremities. Last evaluated: 2022-05-30. Review status: criteria provided, single submitter. Criteria: Invitae Variant Classification Sherloc (09022015). Collection method: clinical testing. Allele origin: germline.
Comment: This sequence change replaces glutamic acid, which is acidic and polar, with alanine, which is neutral and non-polar, at codon 947 of the ADAR protein (p.Glu947Ala). This variant is not present in population databases (gnomAD no frequency). This variant has not been reported in the literature in individuals affected with ADAR-related conditions. Algorithms developed to predict the effect of missense changes on protein structure and function (SIFT, PolyPhen-2, Align-GVGD) all suggest that this variant is likely to be tolerated. In summary, the available evidence is currently insufficient to determine the role of this variant in disease. Therefore, it has been classified as a Variant of Uncertain Significance.